The following is an entry in ClinVar:

NM_003467.3(CXCR4):c.50G>A (p.Gly17Asp)

Gene: CXCR4 (C-X-C motif chemokine receptor 4; minus strand). Cytogenetic location: 2q22.1.
Variant type: single nucleotide variant.
Coding change: c.50G>A on transcript NM_003467.3 (MANE Select); coding-DNA position 50, G replaced by A.
Protein change: p.Gly17Asp; replaces glycine 17 with aspartic acid.
Molecular consequence: missense variant.
Genome position (GRCh38, 1-based): chr2:136,115,878, C>T on the plus strand (G>A on the coding strand, the complement: CXCR4 is on the minus strand). VCF-style: chr2-136115878-C-T. GRCh37 (hg19) VCF-style: chr2-136873448-C-T.
Other names: c.62G>A, p.Gly21Asp (NM_001008540.2); c.263G>A, p.Gly88Asp (NM_001348056.2); c.149G>A, p.Gly50Asp (NM_001348059.2); c.5G>A, p.Gly2Asp (NM_001348060.2); short protein forms G88D, G17D, G2D, G21D, G50D.
Identifiers: ClinVar variation 3710665 (VCV003710665.2).

ClinVar aggregate classification (germline): Uncertain significance (1 of 4 stars; one submission).

Conditions:
Warts, hypogammaglobulinemia, infections, and myelokathexis. Also called: WHIM syndrome. Identifiers: MedGen C0472817, MONDO:0023880.

gnomAD v4.1: 7 of 1,613,998 alleles (0.00043%); highest among the groups gnomAD compares: Admixed American, 0.0083%; no homozygotes.

Submission:

Labcorp Genetics (formerly Invitae), Labcorp
Classification: Uncertain significance for Warts, hypogammaglobulinemia, infections, and myelokathexis. Last evaluated: 2025-01-29. Review status: criteria provided, single submitter. Criteria: Invitae Variant Classification Sherloc (09022015). Collection method: clinical testing. Allele origin: germline.
Comment: This sequence change replaces glycine, which is neutral and non-polar, with aspartic acid, which is acidic and polar, at codon 17 of the CXCR4 protein (p.Gly17Asp). This variant is present in population databases (rs770327175, gnomAD 0.0009%). This variant has not been reported in the literature in individuals affected with CXCR4-related conditions. An algorithm developed to predict the effect of missense changes on protein structure and function (PolyPhen-2) suggests that this variant is likely to be disruptive. In summary, the available evidence is currently insufficient to determine the role of this variant in disease. Therefore, it has been classified as a Variant of Uncertain Significance.